The following is an entry in ClinVar:

NM_145290.4(ADGRA3):c.368G>C (p.Gly123Ala)

Gene: ADGRA3 (adhesion G protein-coupled receptor A3; minus strand). Cytogenetic location: 4p15.2.
Variant type: single nucleotide variant.
Coding change: c.368G>C on transcript NM_145290.4 (MANE Select); coding-DNA position 368, G replaced by C.
Protein change: p.Gly123Ala; replaces glycine 123 with alanine.
Molecular consequence: missense variant.
Genome position (GRCh38, 1-based): chr4:22,461,770, C>G on the plus strand (G>C on the coding strand, the complement: ADGRA3 is on the minus strand). VCF-style: chr4-22461770-C-G. GRCh37 (hg19) VCF-style: chr4-22463393-C-G.
Other names: short protein forms G123A.
Identifiers: ClinVar variation 1349876 (VCV001349876.6), dbSNP rs1717465197, ClinGen allele CA356480476.

ClinVar aggregate classification (germline): Uncertain significance (1 of 4 stars; one submission).

Submission:

Labcorp Genetics (formerly Invitae), Labcorp
Classification: Uncertain significance. Last evaluated: 2022-06-28. Review status: criteria provided, single submitter. Criteria: Invitae Variant Classification Sherloc (09022015). Collection method: clinical testing. Allele origin: germline.
Comment: This variant has not been reported in the literature in individuals affected with ADGRA3-related conditions. This variant is not present in population databases (gnomAD no frequency). This sequence change replaces glycine, which is neutral and non-polar, with alanine, which is neutral and non-polar, at codon 123 of the ADGRA3 protein (p.Gly123Ala). Algorithms developed to predict the effect of missense changes on protein structure and function (SIFT, PolyPhen-2, Align-GVGD) all suggest that this variant is likely to be tolerated. In summary, the available evidence is currently insufficient to determine the role of this variant in disease. Therefore, it has been classified as a Variant of Uncertain Significance.